The following is an entry in ClinVar:

ClinVar aggregate classification (germline): Uncertain significance (1 of 4 stars; one submission).

Conditions:
Hereditary cancer-predisposing syndrome. Also called: Hereditary neoplastic syndrome; Neoplastic Syndromes, Hereditary; Tumor predisposition; Hereditary Cancer Syndrome. Identifiers: Orphanet 140162, MedGen C0027672, MeSH D009386, MONDO:0015356.

gnomAD v4.1: 1 of 1,612,756 alleles (0.000062%); highest among the groups gnomAD compares: Non-Finnish European, 0.000085%; no homozygotes.

Submission:

Sema4
Classification: Uncertain significance for Hereditary cancer-predisposing syndrome. Last evaluated: 2021-10-25. Review status: criteria provided, single submitter. Criteria: Sema4 Curation Guidelines. Collection method: curation. Allele origin: germline.
Comment: The ATM c.5914A>C (p.K1972Q) variant has not been reported in the literature to our knowledge. It was not observed in the large and broad cohorts of the Genome Aggregation Database (PMID: 32461654). The variant has not been reported in ClinVar. In silico tools suggest the impact of the variant on protein function is benign, though these predictions have not been confirmed by functional studies. The evidence is insufficient to meet ACMG/AMP criteria for classifying the variant as benign or pathogenic. Thus, the clinical significance of this variant is currently uncertain.

NM_000051.4(ATM):c.5914A>C (p.Lys1972Gln)

Genes: ATM (ATM serine/threonine kinase; plus strand), C11orf65 (chromosome 11 open reading frame 65; minus strand). Cytogenetic location: 11q22.3.
Variant type: single nucleotide variant.
Coding change: c.5914A>C on transcript NM_000051.4 (MANE Select); coding-DNA position 5914, A replaced by C.
Protein change: p.Lys1972Gln; replaces lysine 1972 with glutamine.
Molecular consequence: missense variant. On other transcripts: intron variant (2).
Genome position (GRCh38, 1-based): chr11:108,310,311, A>C. VCF-style: chr11-108310311-A-C. GRCh37 (hg19) VCF-style: chr11-108181038-A-C.
Other names: c.5914A>C, p.Lys1972Gln (NM_001351834.2); c.641-1240T>G (NM_001330368.2); c.*39-1240T>G (NM_001351110.2); short protein forms K1972Q.
Identifiers: ClinVar variation 1692816 (VCV001692816.1), dbSNP rs1060501652, ClinGen allele CA382548604.